The following is an entry in ClinVar:

ClinVar aggregate classification (germline): Uncertain significance. Review status: criteria provided, multiple submitters, no conflicts (2 of 4 stars). 4 submissions from 4 submitters: Uncertain significance (3). 1 of the submissions does not count toward it. Last evaluated 2025-04-17.

Conditions:
Inborn genetic diseases. Identifiers: MedGen C0950123, MeSH D030342.
Autosomal recessive nonsyndromic hearing loss 77. Identifiers: Orphanet 90636, MedGen C2746083, MONDO:0013119, OMIM 613079.

Allele frequency attached by ClinVar (database versions not stated): gnomAD 0.00003 and 0.00004; gnomAD exomes 0.00003 and 0.00008; TOPMed 0.00004.

Submissions (4):

Ambry Genetics
Classification: Uncertain significance for Inborn genetic diseases. Last evaluated: 2025-04-17. Review status: criteria provided, single submitter. Criteria: Ambry Variant Classification Scheme 2023. Collection method: clinical testing. Allele origin: germline.

Fulgent Genetics
Classification: Uncertain significance for Autosomal recessive nonsyndromic hearing loss 77. Last evaluated: 2022-04-06. Review status: criteria provided, single submitter. Criteria: ACMG Guidelines, 2015. Collection method: clinical testing. Allele origin: unknown.

Labcorp Genetics (formerly Invitae), Labcorp
Classification: Uncertain significance. Last evaluated: 2021-09-17. Review status: criteria provided, single submitter. Criteria: Invitae Variant Classification Sherloc (09022015). Collection method: clinical testing. Allele origin: germline.
Comment: This sequence change replaces asparagine with aspartic acid at codon 1971 of the LOXHD1 protein (p.Asn1971Asp). The asparagine residue is moderately conserved and there is a small physicochemical difference between asparagine and aspartic acid. This variant is not present in population databases (ExAC no frequency). This variant has not been reported in the literature in individuals with LOXHD1-related disease. Algorithms developed to predict the effect of missense changes on protein structure and function do not agree on the potential impact of this missense change (SIFT: "Deleterious"; PolyPhen-2: "Benign"; Align-GVGD: "Class C0"). In summary, the available evidence is currently insufficient to determine the role of this variant in disease. Therefore, it has been classified as a Variant of Uncertain Significance.

Department of Pathology and Laboratory Medicine, Sinai Health System
Classification: Uncertain significance. Review status: no assertion criteria provided. Collection method: clinical testing. Allele origin: unknown. Affected: yes. Study: The Canadian Open Genetics Repository (COGR). Not counted in ClinVar's aggregate classification.
Comment: The LOXHD1 p.Asn272Asp variant was not identified in the literature nor was it identified in ClinVar or LOVD 3.0. The variant was identified in dbSNP (ID: rs199838861) and in control databases in 6 of 189174 chromosomes at a frequency of 0.00003172 (Genome Aggregation Database March 6, 2019, v2.1.1). The variant was observed in the European (non-Finnish) population in 6 of 76870 chromosomes (freq: 0.000078), but was not observed in the African, Latino, Ashkenazi Jewish, East Asian, European (Finnish), Other, or South Asian populations. The p.Asn272 residue is conserved in mammals and computational analyses (SIFT, AlignGVGD, BLOSUM, MutationTaster) provide inconsistent predictions regarding the impact to the protein; this information is not very predictive of pathogenicity. The variant occurs outside of the splicing consensus sequence and in silico or computational prediction software programs (SpliceSiteFinder, MaxEntScan, NNSPLICE, GeneSplicer) do not predict a difference in splicing. In summary, based on the above information the clinical significance of this variant cannot be determined with certainty at this time. This variant is classified as a variant of uncertain significance.

NM_001384474.1(LOXHD1):c.6097A>G (p.Asn2033Asp)

Gene: LOXHD1 (lipoxygenase homology PLAT domains 1; minus strand). Cytogenetic location: 18q21.1.
Variant type: single nucleotide variant.
Coding change: c.6097A>G on transcript NM_001384474.1 (MANE Select); coding-DNA position 6097, A replaced by G.
Protein change: p.Asn2033Asp; replaces asparagine 2033 with aspartic acid.
Molecular consequence: missense variant.
Genome position (GRCh38, 1-based): chr18:46,485,104, T>C on the plus strand (A>G on the coding strand, the complement: LOXHD1 is on the minus strand). VCF-style: chr18-46485104-T-C. GRCh37 (hg19) VCF-style: chr18-44065067-T-C.
Other names: c.2764A>G, p.Asn922Asp (NM_001145472.3); c.814A>G, p.Asn272Asp (NM_001145473.3, NM_001173129.2); c.2476A>G, p.Asn826Asp (NM_001308013.2); c.5911A>G, p.Asn1971Asp (NM_144612.7); short protein forms N1971D, N2033D, N272D, N826D, N922D.
Identifiers: ClinVar variation 1049715 (VCV001049715.5), dbSNP rs199838861, ClinGen allele CA299784065.